The following is an entry in ClinVar:

ClinVar aggregate classification (germline): Uncertain significance (1 of 4 stars; one submission).

Conditions:
Hypertrophic cardiomyopathy. Also called: HYPERTROPHIC MYOCARDIOPATHY. Identifiers: Orphanet 217569, MedGen C0007194, MeSH D002312, MONDO:0005045, HP:0001639.

Submission:

All of Us Research Program, National Institutes of Health
Classification: Uncertain significance for Hypertrophic cardiomyopathy. Last evaluated: 2023-10-06. Review status: criteria provided, single submitter. Criteria: ACMG Guidelines, 2015. Collection method: clinical testing. Allele origin: germline. Inheritance: Autosomal dominant inheritance. Observed: 1 variant allele, 1 heterozygote.
Comment: This missense variant replaces glutamic acid with valine at codon 1096 of the MYBPC3 protein. Computational prediction suggests that this variant may not impact protein structure and function (internally defined REVEL score threshold <= 0.5, PMID: 27666373). To our knowledge, functional studies have not been reported for this variant. This variant has not been reported in individuals affected with MYBPC3-related disorders in the literature. This variant has not been identified in the general population by the Genome Aggregation Database (gnomAD). The available evidence is insufficient to determine the role of this variant in disease conclusively. Therefore, this variant is classified as a Variant of Uncertain Significance.

This study involves interpretation of variants in research participants for the purpose of population health screening. Participant phenotype was not available at the time of variant classification. Additional details can be found in publication PMID: 35346344, PMCID: PMC8962531

NM_000256.3(MYBPC3):c.3287A>T (p.Glu1096Val)

Gene: MYBPC3 (myosin binding protein C3; minus strand). Cytogenetic location: 11p11.2.
Variant type: single nucleotide variant.
Coding change: c.3287A>T on transcript NM_000256.3 (MANE Select); coding-DNA position 3287, A replaced by T.
Protein change: p.Glu1096Val; replaces glutamic acid 1096 with valine.
Molecular consequence: missense variant.
Genome position (GRCh38, 1-based): chr11:47,333,237, T>A on the plus strand (A>T on the coding strand, the complement: MYBPC3 is on the minus strand). VCF-style: chr11-47333237-T-A. GRCh37 (hg19) VCF-style: chr11-47354788-T-A.
Other names: short protein forms E1096V.
Identifiers: ClinVar variation 3073747 (VCV003073747.1), dbSNP rs2495740052, ClinGen allele CA380314151.